The following is an entry in ClinVar:

NM_003072.5(SMARCA4):c.245A>C (p.Lys82Thr)

Gene: SMARCA4 (SWI/SNF related BAF chromatin remodeling complex subunit ATPase 4; plus strand). Cytogenetic location: 19p13.2.
Variant type: single nucleotide variant.
Coding change: c.245A>C on transcript NM_003072.5 (MANE Select); coding-DNA position 245, A replaced by C.
Protein change: p.Lys82Thr; replaces lysine 82 with threonine.
Molecular consequence: missense variant. On other transcripts: non-coding transcript variant (1).
Genome position (GRCh38, 1-based): chr19:10,985,295, A>C. VCF-style: chr19-10985295-A-C. GRCh37 (hg19) VCF-style: chr19-11095971-A-C.
Other names: c.245A>C, p.Lys82Thr (NM_001128844.3, NM_001128845.2, NM_001128846.2 and 6 more transcripts); short protein forms K82T.
Identifiers: ClinVar variation 5029814 (VCV005029814.1).

ClinVar aggregate classification (germline): Uncertain significance (1 of 4 stars; one submission).

Conditions:
Hereditary cancer-predisposing syndrome. Also called: Neoplastic Syndromes, Hereditary; Tumor predisposition; Hereditary neoplastic syndrome; Hereditary Cancer Syndrome. Identifiers: Orphanet 140162, MedGen C0027672, MeSH D009386, MONDO:0015356.

gnomAD v4.1: 1 of 1,613,946 alleles (0.000062%); highest among the groups gnomAD compares: Non-Finnish European, 0.000085%; no homozygotes.

Submission:

Ambry Genetics
Classification: Uncertain significance for Hereditary cancer-predisposing syndrome. Last evaluated: 2026-06-16. Review status: criteria provided, single submitter. Criteria: Ambry Variant Classification Scheme 2023. Collection method: clinical testing. Allele origin: germline.
Comment: The p.K82T variant (also known as c.245A>C), located in coding exon 2 of the SMARCA4 gene, results from an A to C substitution at nucleotide position 245. The lysine at codon 82 is replaced by threonine, an amino acid with similar properties. This amino acid position is conserved. In addition, this alteration is predicted to be deleterious by in silico analysis. Based on the available evidence, the clinical significance of this variant remains unclear.